The following is an entry in ClinVar:

NM_018026.4(PACS1):c.2363T>C (p.Leu788Pro)

Gene: PACS1 (phosphofurin acidic cluster sorting protein 1; plus strand). Cytogenetic location: 11q13.2.
Variant type: single nucleotide variant.
Coding change: c.2363T>C on transcript NM_018026.4 (MANE Select); coding-DNA position 2363, T replaced by C.
Protein change: p.Leu788Pro; replaces leucine 788 with proline.
Molecular consequence: missense variant.
Genome position (GRCh38, 1-based): chr11:66,239,211, T>C. VCF-style: chr11-66239211-T-C. GRCh37 (hg19) VCF-style: chr11-66006682-T-C.
Other names: short protein forms L788P.
Identifiers: ClinVar variation 3019420 (VCV003019420.3), dbSNP rs961740019, ClinGen allele CA224038286.

ClinVar aggregate classification (germline): Uncertain significance (1 of 4 stars; one submission).

Conditions:
Schuurs-Hoeijmakers syndrome. Also called: PACS1-Related Neurodevelopmental Disorder. Identifiers: Orphanet 329224, MedGen C3554343, MONDO:0014006, OMIM 615009.

Allele frequency attached by ClinVar (database versions not stated): TOPMed 0.00001.

Submission:

Labcorp Genetics (formerly Invitae), Labcorp
Classification: Uncertain significance for Schuurs-Hoeijmakers syndrome. Last evaluated: 2023-04-27. Review status: criteria provided, single submitter. Criteria: Invitae Variant Classification Sherloc (09022015). Collection method: clinical testing. Allele origin: germline.
Comment: In summary, the available evidence is currently insufficient to determine the role of this variant in disease. Therefore, it has been classified as a Variant of Uncertain Significance. Advanced modeling of protein sequence and biophysical properties (such as structural, functional, and spatial information, amino acid conservation, physicochemical variation, residue mobility, and thermodynamic stability) performed at Invitae indicates that this missense variant is not expected to disrupt PACS1 protein function. This variant has not been reported in the literature in individuals affected with PACS1-related conditions. This variant is not present in population databases (gnomAD no frequency). This sequence change replaces leucine, which is neutral and non-polar, with proline, which is neutral and non-polar, at codon 788 of the PACS1 protein (p.Leu788Pro).